The following is an entry in ClinVar:

NM_005251.3(FOXC2):c.124T>G (p.Ser42Ala)

Genes: FOXC2 (forkhead box C2; plus strand), FOXC2-AS1 (FOXC2 antisense RNA 1; minus strand). Cytogenetic location: 16q24.1.
Variant type: single nucleotide variant.
Coding change: c.124T>G on transcript NM_005251.3 (MANE Select); coding-DNA position 124, T replaced by G.
Protein change: p.Ser42Ala; replaces serine 42 with alanine.
Molecular consequence: missense variant.
Genome position (GRCh38, 1-based): chr16:86,567,459, T>G. VCF-style: chr16-86567459-T-G. GRCh37 (hg19) VCF-style: chr16-86601065-T-G.
Other names: c.124T>G (NM_005251.2); short protein forms S42A.
Identifiers: ClinVar variation 1716881 (VCV001716881.7), dbSNP rs886775310, ClinGen allele CA285807793.

ClinVar aggregate classification (germline): Uncertain significance. Review status: criteria provided, multiple submitters, no conflicts (2 of 4 stars). 2 submissions from 2 submitters: Uncertain significance (2). Last evaluated 2025-06-12.

Conditions:
Inborn genetic diseases. Identifiers: MedGen C0950123, MeSH D030342.

Allele frequency attached by ClinVar (database versions not stated): TOPMed below 0.00001.

Submissions (2):

Labcorp Genetics (formerly Invitae), Labcorp
Classification: Uncertain significance. Last evaluated: 2025-06-12. Review status: criteria provided, single submitter. Criteria: Invitae Variant Classification Sherloc (09022015). Collection method: clinical testing. Allele origin: germline.
Comment: This sequence change replaces serine, which is neutral and polar, with alanine, which is neutral and non-polar, at codon 42 of the FOXC2 protein (p.Ser42Ala). This variant is not present in population databases (gnomAD no frequency). This variant has not been reported in the literature in individuals affected with FOXC2-related conditions. ClinVar contains an entry for this variant (Variation ID: 1716881). An algorithm developed to predict the effect of missense changes on protein structure and function (PolyPhen-2) suggests that this variant is likely to be tolerated. In summary, the available evidence is currently insufficient to determine the role of this variant in disease. Therefore, it has been classified as a Variant of Uncertain Significance.

Ambry Genetics
Classification: Uncertain significance for Inborn genetic diseases. Last evaluated: 2022-06-24. Review status: criteria provided, single submitter. Criteria: Ambry Variant Classification Scheme 2023. Collection method: clinical testing. Allele origin: germline.